The following is an entry in ClinVar:

ClinVar aggregate classification (germline): Conflicting classifications of pathogenicity. Review status: criteria provided, conflicting classifications (1 of 4 stars). 11 submissions from 11 submitters: Uncertain significance (1); Benign (2); Likely benign (5). 3 of the submissions do not count toward it. Last evaluated 2026-02-01.

Conditions:
Mesangiocapillary glomerulonephritis. Also called: Membranoproliferative glomerulonephritis. Identifiers: MedGen C0017662, MONDO:0002461, HP:0000793.
Immunoglobulin-mediated membranoproliferative glomerulonephritis. Also called: Nephrotic syndrome, type 7; NEPHROTIC SYNDROME, TYPE 7, WITH MEMBRANOPROLIFERATIVE GLOMERULONEPHRITIS. Identifiers: Orphanet 329903, MedGen C3554330, MONDO:0014005, OMIM 615008.
DGKE-related disorder. Also called: DGKE-related condition.
Kidney disorder. Also called: Nephropathy; Kidney disease; Kidney Diseases; renal disease; renal disorder. Identifiers: MedGen C0022658, MONDO:0005240, HP:0000112.

Allele frequency attached by ClinVar (database versions not stated): 1000 Genomes Project 0.00200; 1000 Genomes Project 30x 0.00219; gnomAD 0.00464 and 0.00481; gnomAD exomes 0.00466 and 0.00712; ExAC 0.00490; TOPMed 0.00494; ESP Exome Variant Server 0.00556.
gnomAD v4.1: 10,990 of 1,608,714 alleles (0.68%); highest among the groups gnomAD compares: Non-Finnish European, 0.84%; 35 homozygotes.

Submissions (11):

Labcorp Genetics (formerly Invitae), Labcorp
Classification: Likely benign. Last evaluated: 2026-02-01. Review status: criteria provided, single submitter. Criteria: Invitae Variant Classification Sherloc (09022015). Collection method: clinical testing. Allele origin: germline.

CeGaT Center for Human Genetics Tuebingen
Classification: Likely benign. Last evaluated: 2026-01-01. Review status: criteria provided, single submitter. Criteria: CeGaT Center For Human Genetics Tuebingen Variant Classification Criteria Version 2. Collection method: clinical testing. Allele origin: germline. Affected: yes. Observed: 5 variant alleles.
Comment: DGKE: BS2

Genomenon, Inc
Classification: Benign for Primary membranoproliferative glomerulonephritis. Last evaluated: 2025-09-26. Review status: criteria provided, single submitter. Criteria: Genomenon Sequence Variant Interpretation Standards - Updated. Collection method: curation. Allele origin: germline. Affected: no.
Comment: DGKE p.Pro12Leu (c.35C>T) is a missense variant that changes the amino acid at residue 12 from Proline to Leucine. This variant has been reported in the published literature (PMID:33609329). This variant is present at high allele frequency in population databases. In conclusion, we classify DGKE p.Pro12Leu (c.35C>T) as a benign variant.

Mayo Clinic Laboratories, Mayo Clinic
Classification: Likely benign. Last evaluated: 2025-06-26. Review status: criteria provided, single submitter. Criteria: ACMG Guidelines, 2015. Collection method: clinical testing. Allele origin: germline. Observed: 24 variant alleles.
Comment: BS1, BP4_moderate

Blueprint Genetics
Classification: Likely benign. Last evaluated: 2024-11-26. Review status: criteria provided, single submitter. Criteria: ACMG Guidelines, 2015. Collection method: clinical testing. Allele origin: germline.

Genetic Services Laboratory, University of Chicago
Classification: Benign. Last evaluated: 2021-05-25. Review status: criteria provided, single submitter. Criteria: ACMG Guidelines, 2015. Collection method: clinical testing. Allele origin: germline. Affected: no.

Genome Diagnostics Laboratory, The Hospital for Sick Children
Classification: Uncertain significance for Kidney disorder. Last evaluated: 2016-12-12. Review status: criteria provided, single submitter. Criteria: ACMG Guidelines, 2015. Collection method: clinical testing. Allele origin: germline.

Eurofins Ntd Llc (ga)
Classification: Likely benign. Last evaluated: 2016-09-02. Review status: criteria provided, single submitter. Criteria: EGL Classification Definitions 2015. Collection method: clinical testing. Allele origin: germline. Observed: 1 variant allele, 1 heterozygote.

PreventionGenetics, part of Exact Sciences
Classification: Benign for DGKE-related condition. Last evaluated: 2022-04-19. Review status: no assertion criteria provided. Collection method: clinical testing. Allele origin: germline. Not counted in ClinVar's aggregate classification.
Comment: This variant is classified as benign based on ACMG/AMP sequence variant interpretation guidelines (Richards et al. 2015 PMID: 25741868, with internal and published modifications).

Clinical Genetics DNA and cytogenetics Diagnostics Lab, Erasmus MC, Erasmus Medical Center
Classification: Likely benign. Review status: no assertion criteria provided. Collection method: clinical testing. Allele origin: germline. Affected: yes. Study: VKGL Data-share Consensus. Not counted in ClinVar's aggregate classification.

Genome Diagnostics Laboratory, University Medical Center Utrecht
Classification: Benign. Review status: no assertion criteria provided. Collection method: clinical testing. Allele origin: germline. Affected: yes. Study: VKGL Data-share Consensus. Not counted in ClinVar's aggregate classification.

Literature cited by the submitters: PubMed 33609329 (cited by Genomenon, Inc and Mayo Clinic Laboratories, Mayo Clinic).

NM_003647.3(DGKE):c.35C>T (p.Pro12Leu)

Gene: DGKE (diacylglycerol kinase epsilon; plus strand). Cytogenetic location: 17q22.
Variant type: single nucleotide variant.
Coding change: c.35C>T on transcript NM_003647.3 (MANE Select); coding-DNA position 35, C replaced by T.
Protein change: p.Pro12Leu; replaces proline 12 with leucine.
Molecular consequence: missense variant.
Genome position (GRCh38, 1-based): chr17:56,834,830, C>T. VCF-style: chr17-56834830-C-T. GRCh37 (hg19) VCF-style: chr17-54912191-C-T.
Other names: p.Pro12Leu; short protein forms P12L.
Identifiers: ClinVar variation 290120 (VCV000290120.51), dbSNP rs146866423, ClinGen allele CA8663407.